The following is an entry in ClinVar:

ClinVar aggregate classification (germline): Uncertain significance (1 of 4 stars; one submission).

Conditions:
Cerebral cavernous malformation 2. Also called: Familial Cerebral Cavernous Malformation 2. Identifiers: Orphanet 221061, MedGen C1864041, MONDO:0011304, OMIM 603284.

Submission:

Illumina Laboratory Services, Illumina
Classification: Uncertain significance for Cerebral cavernous malformation 2. Last evaluated: 2024-02-08. Review status: criteria provided, single submitter. Criteria: ISL SNV Classification Criteria 03 February 2026. Collection method: clinical testing. Allele origin: unknown.
Comment: The CCM2 c.30+5G>A variant occurs in a splice region. This variant has been identified in two individuals with a phenotype consistent with cerebral cavernous malformations (PMID: 23595507). cDNA analysis demonstrated only one full length CCM2 transcript, suggesting the c.30+5G>A variant may cause abnormal splicing and nonsense mediated decay (PMID: 23595507). This variant is not observed in version 2.1.1 or version 4.0.0 of the Genome Aggregation Database. Based on the available evidence, the c.30+5G>A variant is classified as a variant of uncertain significance for cerebral cavernous malformations.

Literature cited by the submitters: PubMed 23595507.

NM_031443.4(CCM2):c.30+5G>A

Genes: CCM2 (CCM2 scaffold protein; plus strand), LOC129998395 (ATAC-STARR-seq lymphoblastoid silent region 18162; plus strand). Cytogenetic location: 7p13.
Variant type: single nucleotide variant.
Coding change: c.30+5G>A on transcript NM_031443.4 (MANE Select); 5 bases into the intron after coding-DNA position 30, G replaced by A.
Molecular consequence: intron variant.
Genome position (GRCh38, 1-based): chr7:45,000,368, G>A. VCF-style: chr7-45000368-G-A. GRCh37 (hg19) VCF-style: chr7-45039967-G-A.
Other names: c.30+5G>A (NM_001363458.2, NM_001167935.2, NM_001363459.2 and 1 more transcripts).
Identifiers: ClinVar variation 4759472 (VCV004759472.1).
Genomic context (GRCh38, chr7:45,000,368, plus strand): 5'-GGGCCGCGGGAGCCGCACGCGGCGATATGGAAGAGGAGGGCAAGAAGGGCAAGAAGGTGA[G>A]CGTGCGCGGGGGCGTCCTACTGCTGTGGTCGGCGGGCGGCTGGGTTGAGGGGCCAGGGTG-3'